The following is an entry in ClinVar:

ClinVar aggregate classification (germline): Uncertain significance (1 of 4 stars; one submission).

Submission:

Labcorp Genetics (formerly Invitae), Labcorp
Classification: Uncertain significance. Last evaluated: 2023-02-03. Review status: criteria provided, single submitter. Criteria: Invitae Variant Classification Sherloc (09022015). Collection method: clinical testing. Allele origin: germline.
Comment: This sequence change replaces serine, which is neutral and polar, with glycine, which is neutral and non-polar, at codon 10 of the DLX3 protein (p.Ser10Gly). This variant is not present in population databases (gnomAD no frequency). This variant has not been reported in the literature in individuals affected with DLX3-related conditions. Algorithms developed to predict the effect of missense changes on protein structure and function are either unavailable or do not agree on the potential impact of this missense change (SIFT: "Deleterious"; PolyPhen-2: "Benign"; Align-GVGD: "Class C55"). In summary, the available evidence is currently insufficient to determine the role of this variant in disease. Therefore, it has been classified as a Variant of Uncertain Significance.

NM_005220.3(DLX3):c.28A>G (p.Ser10Gly)

Gene: DLX3 (distal-less homeobox 3; minus strand). Cytogenetic location: 17q21.33.
Variant type: single nucleotide variant.
Coding change: c.28A>G on transcript NM_005220.3 (MANE Select); coding-DNA position 28, A replaced by G.
Protein change: p.Ser10Gly; replaces serine 10 with glycine.
Molecular consequence: missense variant.
Genome position (GRCh38, 1-based): chr17:49,994,971, T>C on the plus strand (A>G on the coding strand, the complement: DLX3 is on the minus strand). VCF-style: chr17-49994971-T-C. GRCh37 (hg19) VCF-style: chr17-48072335-T-C.
Other names: short protein forms S10G.
Identifiers: ClinVar variation 2834309 (VCV002834309.3), dbSNP rs2544351435, ClinGen allele CA400179591.
Genomic context (GRCh38, chr17:49,994,971, plus strand): 5'-GCGAGTCCTTGGAGCCCGCATGGCAGCTAAGGGAGCTGGAGATGTCGGTGAGGATGCTGC[T>C]GAGCTTGCGATCGAAGGAGCCACTCATCCTGGCGGGCGCTGCACCTCCCCAGGGCTGGCC-3'
Protein context (NP_005211.1, residues 1-20): MSGSFDRKL[Ser10Gly]SILTDISSSL